The following is an entry in ClinVar:

ClinVar aggregate classification (germline): Pathogenic (1 of 4 stars; one submission).

Conditions:
T-B+ severe combined immunodeficiency due to JAK3 deficiency. Also called: SCID, T CELL-NEGATIVE, B CELL-POSITIVE, NK CELL-NEGATIVE; SCID, autosomal recessive, T-negative/B-positive type. Identifiers: Orphanet 35078, MedGen C1833275, MONDO:0010938, OMIM 600802.

Submission:

Labcorp Genetics (formerly Invitae), Labcorp
Classification: Pathogenic for T-B+ severe combined immunodeficiency due to JAK3 deficiency. Last evaluated: 2025-05-28. Review status: criteria provided, single submitter. Criteria: Invitae Variant Classification Sherloc (09022015). Collection method: clinical testing. Allele origin: germline.
Comment: This sequence change creates a premature translational stop signal (p.Leu30Valfs*123) in the JAK3 gene. It is expected to result in an absent or disrupted protein product. Loss-of-function variants in JAK3 are known to be pathogenic (PMID: 7481768, 11668621). This variant is not present in population databases (gnomAD no frequency). This variant has not been reported in the literature in individuals affected with JAK3-related conditions. For these reasons, this variant has been classified as Pathogenic.

Literature cited by the submitters: PubMed 7481768; PubMed 11668621.

NM_000215.4(JAK3):c.71_87dup (p.Leu30fs)

Gene: JAK3 (Janus kinase 3; minus strand). Cytogenetic location: 19p13.11.
Variant type: Duplication.
Coding change: c.71_87dup on transcript NM_000215.4 (MANE Select); coding-DNA positions 71 to 87, 17 bases duplicated (GTGCCCTGCATGTGCTG).
Protein change: p.Leu30fs; shifts the reading frame from leucine 30.
Molecular consequence: frameshift variant.
Genome position (GRCh38, 1-based): chr19:17,844,331-17,844,347, CAGCACATGCAGGGCAC duplicated on the plus strand (GTGCCCTGCATGTGCTG on the coding strand, the reverse complement: JAK3 is on the minus strand); duplicating any 17 consecutive bases within chr19:17,844,331-17,844,351 gives the same sequence; the c. name uses the placement nearest the transcript's 3' end. VCF-style (leftmost placement, unchanged base first): chr19-17844330-G-GCAGCACATGCAGGGCAC. GRCh37 (hg19) VCF-style: chr19-17955139-G-GCAGCACATGCAGGGCAC.
Other names: c.71_87dup, p.Leu30fs (NM_001440439.1); short protein forms L30fs.
Identifiers: ClinVar variation 4720410 (VCV004720410.1).